The following is an entry in ClinVar:

ClinVar aggregate classification (germline): Uncertain significance. Review status: criteria provided, multiple submitters, no conflicts (2 of 4 stars). 2 submissions from 2 submitters: Uncertain significance (2). Last evaluated 2023-06-01.

Conditions:
Inborn genetic diseases. Identifiers: MedGen C0950123, MeSH D030342.

Allele frequency attached by ClinVar (database versions not stated): ExAC 0.00002; gnomAD 0.00003; gnomAD exomes 0.00004; TOPMed 0.00007.
gnomAD v4.1: 67 of 1,611,460 alleles (0.0042%); highest among the groups gnomAD compares: Admixed American, 0.0083%; no homozygotes.

Submissions (2):

CeGaT Center for Human Genetics Tuebingen
Classification: Uncertain significance. Last evaluated: 2023-06-01. Review status: criteria provided, single submitter. Criteria: CeGaT Center For Human Genetics Tuebingen Variant Classification Criteria Version 2. Collection method: clinical testing. Allele origin: germline. Affected: yes. Observed: 1 variant allele.
Comment: LAMA5: PM2, BP4

Ambry Genetics
Classification: Uncertain significance for Inborn genetic diseases. Last evaluated: 2021-08-02. Review status: criteria provided, single submitter. Criteria: Ambry Variant Classification Scheme 2023. Collection method: clinical testing. Allele origin: germline.

NM_005560.6(LAMA5):c.949C>T (p.Pro317Ser)

Gene: LAMA5 (laminin subunit alpha 5; minus strand). Cytogenetic location: 20q13.33.
Variant type: single nucleotide variant.
Coding change: c.949C>T on transcript NM_005560.6 (MANE Select); coding-DNA position 949, C replaced by T.
Protein change: p.Pro317Ser; replaces proline 317 with serine.
Molecular consequence: missense variant.
Genome position (GRCh38, 1-based): chr20:62,351,711, G>A on the plus strand (C>T on the coding strand, the complement: LAMA5 is on the minus strand). VCF-style: chr20-62351711-G-A. GRCh37 (hg19) VCF-style: chr20-60926767-G-A.
Other names: short protein forms P317S.
Identifiers: ClinVar variation 2218953 (VCV002218953.26), dbSNP rs201190922, ClinGen allele CA9944212.